The following is an entry in ClinVar:

ClinVar aggregate classification (germline): Uncertain significance (1 of 4 stars; one submission).

Conditions:
Familial thoracic aortic aneurysm and aortic dissection (TAAD). Also called: Thoracic aortic aneurysms and dissections. Identifiers: Orphanet 91387, MedGen C4707243, MONDO:0019625.

Allele frequency attached by ClinVar (database versions not stated): gnomAD 0.00001; gnomAD exomes 0.00001; ExAC 0.00003.

Submission:

Ambry Genetics
Classification: Uncertain significance for Familial thoracic aortic aneurysm and aortic dissection. Last evaluated: 2023-02-16. Review status: criteria provided, single submitter. Criteria: Ambry Variant Classification Scheme 2023. Collection method: clinical testing. Allele origin: germline.
Comment: The p.Q1722H variant (also known as c.5166G>C), located in coding exon 27 of the NOTCH1 gene, results from a G to C substitution at nucleotide position 5166. The glutamine at codon 1722 is replaced by histidine, an amino acid with highly similar properties. This amino acid position is conserved. In addition, this alteration is predicted to be tolerated by in silico analysis. Since supporting evidence is limited at this time, the clinical significance of this alteration remains unclear.

NM_017617.5(NOTCH1):c.5166G>C (p.Gln1722His)

Gene: NOTCH1 (notch receptor 1; minus strand). Cytogenetic location: 9q34.3.
Variant type: single nucleotide variant.
Coding change: c.5166G>C on transcript NM_017617.5 (MANE Select); coding-DNA position 5166, G replaced by C.
Protein change: p.Gln1722His; replaces glutamine 1722 with histidine.
Molecular consequence: missense variant.
Genome position (GRCh38, 1-based): chr9:136,503,183, C>G on the plus strand (G>C on the coding strand, the complement: NOTCH1 is on the minus strand). VCF-style: chr9-136503183-C-G. GRCh37 (hg19) VCF-style: chr9-139397635-C-G.
Other names: short protein forms Q1722H.
Identifiers: ClinVar variation 2452194 (VCV002452194.2), dbSNP rs756840901, ClinGen allele CA5340432.